The following is an entry in ClinVar:

NM_001387430.1(SH2B1):c.2120C>T (p.Ala707Val)

Gene: SH2B1 (SH2B adaptor protein 1; plus strand). Cytogenetic location: 16p11.2.
Variant type: single nucleotide variant.
Coding change: c.2120C>T on transcript NM_001387430.1 (MANE Select); coding-DNA position 2120, C replaced by T.
Protein change: p.Ala707Val; replaces alanine 707 with valine.
Molecular consequence: missense variant. On other transcripts: 3 prime UTR variant (5).
Genome position (GRCh38, 1-based): chr16:28,873,669, C>T. VCF-style: chr16-28873669-C-T. GRCh37 (hg19) VCF-style: chr16-28884990-C-T.
Other names: c.2120C>T, p.Ala707Val (NM_001145795.2, NM_001308293.2, NM_001387404.1); c.*204C>T (NM_001145796.2, NM_001145812.2, NM_001308294.2 and 1 more transcripts); c.*221C>T (NM_001145797.2); c.2120C>T (NM_001145795.1); short protein forms A707V.
Identifiers: ClinVar variation 3694414 (VCV003694414.3).

ClinVar aggregate classification (germline): Uncertain significance. Review status: criteria provided, multiple submitters, no conflicts (2 of 4 stars). 2 submissions from 2 submitters: Uncertain significance (2). Last evaluated 2026-08-17.

Conditions:
SH2B1-related disorder. Also called: SH2B1-related condition.

gnomAD v4.1: 12 of 1,527,290 alleles (0.00079%); highest among the groups gnomAD compares: African/African-American, 0.015%; no homozygotes.

Submissions (2):

PreventionGenetics, part of Exact Sciences
Classification: Uncertain significance for SH2B1-related condition. Last evaluated: 2026-08-17. Review status: criteria provided, single submitter. Criteria: ACMG Guidelines, 2015. Collection method: clinical testing. Allele origin: germline.
Comment: The SH2B1 c.2120C>T variant is predicted to result in the amino acid substitution p.Ala707Val. To our knowledge, this variant has not been reported in the literature. This variant is reported in 0.049% of alleles in individuals of African descent in gnomAD. At this time, the clinical significance of this variant is uncertain due to the absence of conclusive functional and genetic evidence.

Labcorp Genetics (formerly Invitae), Labcorp
Classification: Uncertain significance. Last evaluated: 2024-05-22. Review status: criteria provided, single submitter. Criteria: Invitae Variant Classification Sherloc (09022015). Collection method: clinical testing. Allele origin: germline.
Comment: This sequence change replaces alanine, which is neutral and non-polar, with valine, which is neutral and non-polar, at codon 707 of the SH2B1 protein (p.Ala707Val). This variant is present in population databases (no rsID available, gnomAD 0.05%). This variant has not been reported in the literature in individuals affected with SH2B1-related conditions. An algorithm developed to predict the effect of missense changes on protein structure and function (PolyPhen-2) suggests that this variant is likely to be disruptive. In summary, the available evidence is currently insufficient to determine the role of this variant in disease. Therefore, it has been classified as a Variant of Uncertain Significance.